The following is an entry in ClinVar:

ClinVar aggregate classification (germline): Uncertain significance. Review status: criteria provided, multiple submitters, no conflicts (2 of 4 stars). 2 submissions from 2 submitters: Uncertain significance (2). Last evaluated 2025-01-15.

Conditions:
Wolfram syndrome 1 (WFS1). Identifiers: Orphanet 3463, MedGen C4551693, MONDO:0009101, OMIM 222300.
Cataract 41 (CTRCT41). Also called: CATARACT 41, CONGENITAL NUCLEAR TYPE. Identifiers: Orphanet 91492, Orphanet 98991, Orphanet 98992, Orphanet 98995, MedGen C3805412, MONDO:0007287, OMIM 116400.
Autosomal dominant nonsyndromic hearing loss 6 (LFSNHL). Also called: DEAFNESS, AUTOSOMAL DOMINANT 14; DEAFNESS, AUTOSOMAL DOMINANT 38; Autosomal dominant nonsyndromic deafness 6; DEAFNESS, AUTOSOMAL DOMINANT 6. Identifiers: Orphanet 90635, MedGen C1833021, MONDO:0010963, OMIM 600965.
Wolfram-like syndrome. Also called: HEARING LOSS, PROGRESSIVE, WITH OPTIC ATROPHY AND/OR IMPAIRED GLUCOSE REGULATION. Identifiers: Orphanet 411590, MedGen C3280358, MONDO:0013673, OMIM 614296.
Type 2 diabetes mellitus. Also called: Type II diabetes mellitus. Identifiers: MedGen C0011860, MeSH D003924, MONDO:0005148, OMIM 125853, HP:0005978.

Allele frequency attached by ClinVar (database versions not stated): gnomAD exomes below 0.00001 and 0.00001; gnomAD 0.00001; TOPMed 0.00001; ExAC 0.00002; ESP Exome Variant Server 0.00008.
gnomAD v4.1: 4 of 1,613,938 alleles (0.00025%); highest among the groups gnomAD compares: East Asian, 0.0022%; no homozygotes.

Submissions (2):

Labcorp Genetics (formerly Invitae), Labcorp
Classification: Uncertain significance. Last evaluated: 2025-01-15. Review status: criteria provided, single submitter. Criteria: Invitae Variant Classification Sherloc (09022015). Collection method: clinical testing. Allele origin: germline.
Comment: This sequence change replaces alanine, which is neutral and non-polar, with valine, which is neutral and non-polar, at codon 307 of the WFS1 protein (p.Ala307Val). This variant is present in population databases (rs371645500, gnomAD 0.02%). This variant has not been reported in the literature in individuals affected with WFS1-related conditions. ClinVar contains an entry for this variant (Variation ID: 1057020). Invitae Evidence Modeling of protein sequence and biophysical properties (such as structural, functional, and spatial information, amino acid conservation, physicochemical variation, residue mobility, and thermodynamic stability) indicates that this missense variant is not expected to disrupt WFS1 protein function with a negative predictive value of 95%. In summary, the available evidence is currently insufficient to determine the role of this variant in disease. Therefore, it has been classified as a Variant of Uncertain Significance.

Fulgent Genetics
Classification: Uncertain significance for Cataract 41; Type 2 diabetes mellitus; Wolfram syndrome 1; Autosomal dominant nonsyndromic hearing loss 6; Wolfram-like syndrome. Last evaluated: 2024-06-04. Review status: criteria provided, single submitter. Criteria: ACMG Guidelines, 2015. Collection method: clinical testing. Allele origin: germline.

NM_006005.3(WFS1):c.920C>T (p.Ala307Val)

Gene: WFS1 (wolframin ER transmembrane glycoprotein; plus strand). Cytogenetic location: 4p16.1.
Variant type: single nucleotide variant.
Coding change: c.920C>T on transcript NM_006005.3 (MANE Select); coding-DNA position 920, C replaced by T.
Protein change: p.Ala307Val; replaces alanine 307 with valine.
Molecular consequence: missense variant.
Genome position (GRCh38, 1-based): chr4:6,300,715, C>T. VCF-style: chr4-6300715-C-T. GRCh37 (hg19) VCF-style: chr4-6302442-C-T.
Other names: c.920C>T, p.Ala307Val (NM_001145853.1); short protein forms A307V.
Identifiers: ClinVar variation 1057020 (VCV001057020.8), dbSNP rs371645500, ClinGen allele CA2839152.
Genomic context (GRCh38, chr4:6,300,715, plus strand): 5'-AGGTGGTCAAGTACCCCCTGCACGCCATCATGGAGATCAAGGAGTACCTGATTGACATGG[C>T]CTCCAGGGCAGGCATGCACTGGCTGTCCACCATCATCCCCACGCACCACATCAACGCGCT-3'
Protein context (NP_005996.2, residues 297-317): MEIKEYLIDM[Ala307Val]SRAGMHWLST